The following is an entry in ClinVar:

NM_020549.5(CHAT):c.631C>G (p.Pro211Ala)

Gene: CHAT (choline O-acetyltransferase; plus strand). Cytogenetic location: 10q11.23.
Variant type: single nucleotide variant.
Coding change: c.631C>G on transcript NM_020549.5 (MANE Select); coding-DNA position 631, C replaced by G.
Protein change: p.Pro211Ala; replaces proline 211 with alanine.
Molecular consequence: missense variant.
Genome position (GRCh38, 1-based): chr10:49,620,546, C>G. VCF-style: chr10-49620546-C-G. GRCh37 (hg19) VCF-style: chr10-50828592-C-G.
Other names: c.277C>G, p.Pro93Ala (NM_001142929.2, NM_001142934.2, NM_020984.4 and 2 more transcripts); c.385C>G, p.Pro129Ala (NM_001142933.2); short protein forms P211A, P93A, P129A.
Identifiers: ClinVar variation 17506 (VCV000017506.50), dbSNP rs121912815, ClinGen allele CA257975.
Genomic context (GRCh38, chr10:49,620,546, plus strand): 5'-CCCCGGCAGGTGTCTGAGTACTGGCTGAATGACATGTATCTCAACAACCGCCTGGCCCTG[C>G]CTGTCAACTCCAGCCCTGCCGTGATCTTTGCTCGGCAGCACTTCCCTGGCACCGATGACC-3'
Protein context (NP_065574.4, residues 201-221): DMYLNNRLAL[Pro211Ala]VNSSPAVIFA

ClinVar aggregate classification (germline): Pathogenic. Review status: criteria provided, multiple submitters, no conflicts (2 of 4 stars). 4 submissions from 4 submitters: Pathogenic (3). 1 of the submissions does not count toward it. Last evaluated 2024-02-13.

Conditions:
Familial infantile myasthenia (CMS6). Also called: MYASTHENIC SYNDROME, PRESYNAPTIC, CONGENITAL, ASSOCIATED WITH EPISODIC APNEA; MYASTHENIC SYNDROME, CONGENITAL, 6, PRESYNAPTIC; Congenital myasthenic syndrome type 6. Identifiers: Orphanet 590, MedGen C0393929, MONDO:0009689, OMIM 254210.

Allele frequency attached by ClinVar (database versions not stated): TOPMed below 0.00001; gnomAD 0.00001.
gnomAD v4.1: 3 of 1,613,796 alleles (0.00019%); highest among the groups gnomAD compares: Non-Finnish European, 0.00025%; no homozygotes.

Submissions (4):

Baylor Genetics
Classification: Pathogenic for Familial infantile myasthenia. Last evaluated: 2024-02-13. Review status: criteria provided, single submitter. Criteria: ACMG Guidelines, 2015. Collection method: clinical testing. Allele origin: unknown.

Labcorp Genetics (formerly Invitae), Labcorp
Classification: Pathogenic for Familial infantile myasthenia. Last evaluated: 2023-05-14. Review status: criteria provided, single submitter. Criteria: Invitae Variant Classification Sherloc (09022015). Collection method: clinical testing. Allele origin: germline.
Comment: ClinVar contains an entry for this variant (Variation ID: 17506). For these reasons, this variant has been classified as Pathogenic. Experimental studies have shown that this missense change affects CHAT function (PMID: 11172068, 26080897). Advanced modeling of protein sequence and biophysical properties (such as structural, functional, and spatial information, amino acid conservation, physicochemical variation, residue mobility, and thermodynamic stability) performed at Invitae indicates that this missense variant is not expected to disrupt CHAT protein function. This missense change has been observed in individual(s) with congenital myasthenic syndrome (PMID: 11172068, 26080897). In at least one individual the data is consistent with being in trans (on the opposite chromosome) from a pathogenic variant. It has also been observed to segregate with disease in related individuals. This variant is not present in population databases (gnomAD no frequency). This sequence change replaces proline, which is neutral and non-polar, with alanine, which is neutral and non-polar, at codon 211 of the CHAT protein (p.Pro211Ala).

CeGaT Center for Human Genetics Tuebingen
Classification: Pathogenic. Last evaluated: 2017-08-01. Review status: criteria provided, single submitter. Criteria: CeGaT Center For Human Genetics Tuebingen Variant Classification Criteria Version 2. Collection method: clinical testing. Allele origin: germline. Affected: yes. Observed: 1 variant allele.

OMIM
Classification: Pathogenic for MYASTHENIC SYNDROME, CONGENITAL, 6, PRESYNAPTIC. Last evaluated: 2001-02-13. Review status: no assertion criteria provided. Collection method: literature only. Allele origin: germline. Not counted in ClinVar's aggregate classification.

Literature cited by the submitters: PubMed 11172068 (cited by Labcorp Genetics (formerly Invitae), Labcorp and OMIM); PubMed 26080897 (cited by Labcorp Genetics (formerly Invitae), Labcorp).